The following is an entry in ClinVar:

ClinVar aggregate classification (germline): Benign/Likely benign. Review status: criteria provided, multiple submitters, no conflicts (2 of 4 stars). 7 submissions from 5 submitters: Benign (5); Likely benign (2). Last evaluated 2026-02-04.

Conditions:
Autosomal dominant nonsyndromic hearing loss 11. Identifiers: Orphanet 90635, MedGen C1832475, MONDO:0011032, OMIM 601317.
Autosomal recessive nonsyndromic hearing loss 2. Also called: DEAFNESS, AUTOSOMAL RECESSIVE 2; NEUROSENSORY NONSYNDROMIC RECESSIVE DEAFNESS 2. Identifiers: Orphanet 90636, MedGen C1838701, MONDO:0010807, OMIM 600060.
Usher syndrome type 1 (USH1). Also called: RETINITIS PIGMENTOSA AND CONGENITAL DEAFNESS. Identifiers: Orphanet 231169, Orphanet 886, MedGen C1568247, MONDO:0010168, OMIM 276900.

Allele frequency attached by ClinVar (database versions not stated): ESP Exome Variant Server 0.01432; gnomAD 0.01752 and 0.01883; TOPMed 0.01962; 1000 Genomes Project 0.02017.
gnomAD v4.1: 5,515 of 1,561,020 alleles (0.35%); highest among the groups gnomAD compares: African/African-American, 6.1%; 170 homozygotes.

Submissions (7):

Labcorp Genetics (formerly Invitae), Labcorp
Classification: Benign. Last evaluated: 2026-02-04. Review status: criteria provided, single submitter. Criteria: Invitae Variant Classification Sherloc (09022015). Collection method: clinical testing. Allele origin: germline.

GeneDx
Classification: Benign. Last evaluated: 2019-01-09. Review status: criteria provided, single submitter. Criteria: GeneDx Variant Classification Process June 2021. Collection method: clinical testing. Allele origin: germline. Affected: yes.

Illumina Laboratory Services, Illumina
Classification: Benign for Autosomal dominant nonsyndromic hearing loss 11. Last evaluated: 2018-01-13. Review status: criteria provided, single submitter. Criteria: ICSL Variant Classification Criteria 13 December 2019. Collection method: clinical testing. Allele origin: germline.
Comment: This variant was observed in the ICSL laboratory as part of a predisposition screen in an ostensibly healthy population. It had not been previously curated by ICSL or reported in the Human Gene Mutation Database (HGMD: prior to June 1st, 2018), and was therefore a candidate for classification through an automated scoring system. Utilizing variant allele frequency, disease prevalence and penetrance estimates, and inheritance mode, an automated score was calculated to assess if this variant is too frequent to cause the disease. Based on the score and internal cut-off values, a variant classified as benign is not then subjected to further curation. The score for this variant resulted in a classification of benign for this disease.

Illumina Laboratory Services, Illumina
Classification: Likely benign for Autosomal recessive nonsyndromic hearing loss 2. Last evaluated: 2018-01-13. Review status: criteria provided, single submitter. Criteria: ICSL Variant Classification Criteria 13 December 2019. Collection method: clinical testing. Allele origin: germline.
Comment: This variant was observed in the ICSL laboratory as part of a predisposition screen in an ostensibly healthy population. It had not been previously curated by ICSL or reported in the Human Gene Mutation Database (HGMD: prior to June 1st, 2018), and was therefore a candidate for classification through an automated scoring system. Utilizing variant allele frequency, disease prevalence and penetrance estimates, and inheritance mode, an automated score was calculated to assess if this variant is too frequent to cause the disease. Based on the score and internal cut-off values, a variant classified as likely benign is not then subjected to further curation. The score for this variant resulted in a classification of likely benign for this disease.

Illumina Laboratory Services, Illumina
Classification: Benign for Usher syndrome type 1. Last evaluated: 2018-01-13. Review status: criteria provided, single submitter. Criteria: ICSL Variant Classification Criteria 13 December 2019. Collection method: clinical testing. Allele origin: germline.
Comment: the same text as in the submission from Illumina Laboratory Services, Illumina above.

Laboratory for Molecular Medicine, Mass General Brigham Personalized Medicine
Classification: Benign. Last evaluated: 2012-05-07. Review status: criteria provided, single submitter. Criteria: LMM Criteria. Collection method: clinical testing. Allele origin: germline. Observed: 19 variant alleles.
Comment: 6052-11G>C in Intron 44 of MYO7A: This variant is not expected to have clinical significance because it has been identified in 4.4% (150/3442) of African Americ an chromosomes from a broad population by the NHLBI Exome Sequencing Project (dbSNP rs112564978).

Breakthrough Genomics
Classification: Likely benign. Review status: criteria provided, single submitter. Criteria: ACMG Guidelines, 2015. Collection method: not provided. Allele origin: germline. Inheritance: Autosomal recessive inheritance. Affected: yes.

NM_000260.4(MYO7A):c.6052-11G>C

Gene: MYO7A (myosin VIIA; plus strand). Cytogenetic location: 11q13.5.
Variant type: single nucleotide variant.
Coding change: c.6052-11G>C on transcript NM_000260.4 (MANE Select); 11 bases into the intron before coding-DNA position 6052, G replaced by C.
Molecular consequence: intron variant.
Genome position (GRCh38, 1-based): chr11:77,211,141, G>C. VCF-style: chr11-77211141-G-C. GRCh37 (hg19) VCF-style: chr11-76922186-G-C.
Other names: c.5905-11G>C (NM_001369365.1); c.5938-11G>C (NM_001127180.2).
Identifiers: ClinVar variation 43316 (VCV000043316.21), dbSNP rs112564978, ClinGen allele CA132417.